The following is an entry in ClinVar:

NM_019066.5(MAGEL2):c.588G>C (p.Gly196=)

Gene: MAGEL2 (MAGE family member L2; minus strand). Cytogenetic location: 15q11.2.
Variant type: single nucleotide variant.
Coding change: c.588G>C on transcript NM_019066.5 (MANE Select); coding-DNA position 588, G replaced by C.
Protein change: p.Gly196=; no amino-acid change (glycine 196 retained).
Molecular consequence: synonymous variant.
Genome position (GRCh38, 1-based): chr15:23,647,155, C>G on the plus strand (G>C on the coding strand, the complement: MAGEL2 is on the minus strand). VCF-style: chr15-23647155-C-G. GRCh37 (hg19) VCF-style: chr15-23892302-C-G.
Identifiers: ClinVar variation 4875356 (VCV004875356.2).
Genomic context (GRCh38, chr15:23,647,155, plus strand): 5'-CCCCGGAGGTGGAGGATGAGCCATCGGTGTCCCCGGAGGGGGAGGATGAGCCATCGGTGT[C>G]CCCGGAGGGGGAGGATGAGCCATCGGGGTCCCCGGAGGAGGAGGATGCACCATCGGGGTC-3'
Protein context (NP_061939.3, residues 186-206): GTPMAHPPPP[Gly196=]TPMAHPPPPG

ClinVar aggregate classification (germline): Likely benign (1 of 4 stars; one submission).

Submission:

CeGaT Center for Human Genetics Tuebingen
Classification: Likely benign. Last evaluated: 2026-07-01. Review status: criteria provided, single submitter. Criteria: CeGaT Center For Human Genetics Tuebingen Variant Classification Criteria Version 2. Collection method: clinical testing. Allele origin: germline. Affected: yes. Observed: 1 variant allele.
Comment: MAGEL2: PM2:Supporting, BP4, BP7